The following is an entry in ClinVar:

NM_201384.3(PLEC):c.3436T>A (p.Phe1146Ile)

Gene: PLEC (plectin; minus strand). Cytogenetic location: 8q24.3.
Variant type: single nucleotide variant.
Coding change: c.3436T>A on transcript NM_201384.3 (MANE Select); coding-DNA position 3436, T replaced by A.
Protein change: p.Phe1146Ile; replaces phenylalanine 1146 with isoleucine.
Molecular consequence: missense variant.
Genome position (GRCh38, 1-based): chr8:143,927,730, A>T on the plus strand (T>A on the coding strand, the complement: PLEC is on the minus strand). VCF-style: chr8-143927730-A-T. GRCh37 (hg19) VCF-style: chr8-145001898-A-T.
Other names: c.3517T>A, p.Phe1173Ile (NM_000445.5); c.3394T>A, p.Phe1132Ile (NM_201378.4); c.3370T>A, p.Phe1124Ile (NM_201379.3); c.3847T>A, p.Phe1283Ile (NM_201380.4); c.3340T>A, p.Phe1114Ile (NM_201381.3); c.3436T>A, p.Phe1146Ile (NM_201382.4); c.3448T>A, p.Phe1150Ile (NM_201383.3); c.3517T>A (NM_000445.3); short protein forms F1124I, F1132I, F1283I, F1173I, F1150I, F1114I, F1146I.
Identifiers: ClinVar variation 538930 (VCV000538930.9), dbSNP rs1554708450, ClinGen allele CA372566090.
Genomic context (GRCh38, chr8:143,927,730, plus strand): 5'-GCTGCTGCAGTCGCTCCCCCACCTCCTGTGCCCCCCGCAGCTCATCCCGCAGGGCGTCGA[A>T]CGTGGGCTGCTGTGCCTCGGCCTGGGCCCGCAGCTTCTGTTGGGGACAGGAGGGACATGT-3'
Protein context (NP_958786.1, residues 1136-1156): RAQAEAQQPT[Phe1146Ile]DALRDELRGA

ClinVar aggregate classification (germline): Uncertain significance. Review status: criteria provided, multiple submitters, no conflicts (2 of 4 stars). 3 submissions from 3 submitters: Uncertain significance (3). Last evaluated 2025-05-19.

Conditions:
Epidermolysis bullosa simplex with nail dystrophy (EBS5D). Identifiers: MedGen C4225309, MONDO:0014661, OMIM 616487.
Epidermolysis bullosa simplex 5B, with muscular dystrophy (EBS5B). Also called: EPIDERMOLYSIS BULLOSA SIMPLEX AND LIMB-GIRDLE MUSCULAR DYSTROPHY; Epidermolysis bullosa simplex with muscular dystrophy. Identifiers: Orphanet 257, MedGen C2931072, MONDO:0009181, OMIM 226670.
Epidermolysis bullosa simplex, Ogna type (EBS5A). Also called: Pidermolysis bullosa simplex 5A, Ogna type; EPIDERMOLYSIS BULLOSA SIMPLEX 5A, OGNA TYPE. Identifiers: Orphanet 79401, MedGen C0432317, MONDO:0007555, OMIM 131950.
Autosomal recessive limb-girdle muscular dystrophy type 2Q (LGMDR17). Also called: MUSCULAR DYSTROPHY, LIMB-GIRDLE, AUTOSOMAL RECESSIVE 17. Identifiers: Orphanet 254361, MedGen C3150989, MONDO:0013390, OMIM 613723.
Epidermolysis bullosa simplex 5C, with pyloric atresia (EBS5C). Also called: PLEC-Related Epidermolysis Bullosa with Pyloric Atresia; Epidermolysis bullosa simplex with pyloric atresia; PLEC1-Related Epidermolysis Bullosa with Pyloric Atresia. Identifiers: Orphanet 158684, MedGen C2677349, MONDO:0012807, OMIM 612138.
Inborn genetic diseases. Identifiers: MedGen C0950123, MeSH D030342.

Allele frequency attached by ClinVar (database versions not stated): gnomAD exomes below 0.00001 and 0.00001.
gnomAD v4.1: 4 of 1,596,406 alleles (0.00025%); highest among the groups gnomAD compares: Middle Eastern, 0.033%; no homozygotes.

Submissions (3):

Ambry Genetics
Classification: Uncertain significance for Inborn genetic diseases. Last evaluated: 2025-05-19. Review status: criteria provided, single submitter. Criteria: Ambry Variant Classification Scheme 2023. Collection method: clinical testing. Allele origin: germline.

Labcorp Genetics (formerly Invitae), Labcorp
Classification: Uncertain significance for Autosomal recessive limb-girdle muscular dystrophy type 2Q; Epidermolysis bullosa simplex, Ogna type; Epidermolysis bullosa simplex with nail dystrophy; Epidermolysis bullosa simplex 5C, with pyloric atresia; Epidermolysis bullosa simplex 5B, with muscular dystrophy. Last evaluated: 2024-06-01. Review status: criteria provided, single submitter. Criteria: Invitae Variant Classification Sherloc (09022015). Collection method: clinical testing. Allele origin: germline.
Comment: This sequence change replaces phenylalanine, which is neutral and non-polar, with isoleucine, which is neutral and non-polar, at codon 1173 of the PLEC protein (p.Phe1173Ile). The frequency data for this variant in the population databases is considered unreliable, as metrics indicate poor data quality at this position in the gnomAD database. This variant has not been reported in the literature in individuals affected with PLEC-related conditions. ClinVar contains an entry for this variant (Variation ID: 538930). Advanced modeling of protein sequence and biophysical properties (such as structural, functional, and spatial information, amino acid conservation, physicochemical variation, residue mobility, and thermodynamic stability) performed at Invitae indicates that this missense variant is expected to disrupt PLEC protein function with a positive predictive value of 80%. In summary, the available evidence is currently insufficient to determine the role of this variant in disease. Therefore, it has been classified as a Variant of Uncertain Significance.

Revvity Omics, Revvity
Classification: Uncertain significance. Last evaluated: 2020-02-18. Review status: criteria provided, single submitter. Criteria: ACMG Guidelines, 2015. Collection method: clinical testing. Allele origin: germline.